The following is an entry in ClinVar:

ClinVar aggregate classification (germline): Uncertain significance (1 of 4 stars; one submission).

Conditions:
Werner syndrome (WRN). Identifiers: Orphanet 902, MedGen C0043119, MONDO:0010196, OMIM 277700.

Allele frequency attached by ClinVar (database versions not stated): gnomAD exomes below 0.00001.
gnomAD v4.1: 1 of 1,612,612 alleles (0.000062%); highest among the groups gnomAD compares: Non-Finnish European, 0.000085%; no homozygotes.

Submission:

Labcorp Genetics (formerly Invitae), Labcorp
Classification: Uncertain significance for Werner syndrome. Last evaluated: 2021-10-17. Review status: criteria provided, single submitter. Criteria: Invitae Variant Classification Sherloc (09022015). Collection method: clinical testing. Allele origin: germline.
Comment: This sequence change affects codon 1393 of the WRN mRNA. It is a 'silent' change, meaning that it does not change the encoded amino acid sequence of the WRN protein. This variant is not present in population databases (ExAC no frequency). This variant has not been reported in the literature in individuals affected with WRN-related conditions. Algorithms developed to predict the effect of sequence changes on RNA splicing suggest that this variant may create or strengthen a splice site. In summary, the available evidence is currently insufficient to determine the role of this variant in disease. Therefore, it has been classified as a Variant of Uncertain Significance.

NM_000553.6(WRN):c.4179C>T (p.Gly1393=)

Gene: WRN (WRN RecQ like helicase; plus strand). Cytogenetic location: 8p12.
Variant type: single nucleotide variant.
Coding change: c.4179C>T on transcript NM_000553.6 (MANE Select); coding-DNA position 4179, C replaced by T.
Protein change: p.Gly1393=; no amino-acid change (glycine 1393 retained).
Molecular consequence: synonymous variant.
Genome position (GRCh38, 1-based): chr8:31,167,218, C>T. VCF-style: chr8-31167218-C-T. GRCh37 (hg19) VCF-style: chr8-31024734-C-T.
Identifiers: ClinVar variation 1368571 (VCV001368571.3), dbSNP rs2130515498, ClinGen allele CA460226916.